The following is an entry in ClinVar:

ClinVar aggregate classification (germline): Likely pathogenic (1 of 4 stars; one submission).

Conditions:
Hypertrophic cardiomyopathy. Also called: HYPERTROPHIC MYOCARDIOPATHY. Identifiers: Orphanet 217569, MedGen C0007194, MeSH D002312, MONDO:0005045, HP:0001639.

Submission:

Labcorp Genetics (formerly Invitae), Labcorp
Classification: Likely pathogenic for Hypertrophic cardiomyopathy. Last evaluated: 2024-01-02. Review status: criteria provided, single submitter. Criteria: Invitae Variant Classification Sherloc (09022015). Collection method: clinical testing. Allele origin: germline.
Comment: This sequence change affects an acceptor splice site in intron 1 of the TNNI3 gene. It is expected to disrupt RNA splicing. Variants that disrupt the donor or acceptor splice site typically lead to a loss of protein function (PMID: 16199547), and loss-of-function variants in TNNI3 are known to be pathogenic (PMID: 31568572, 34036930, 35838873). This variant is not present in population databases (gnomAD no frequency). This variant has not been reported in the literature in individuals affected with TNNI3-related conditions. ClinVar contains an entry for this variant (Variation ID: 1037919). Algorithms developed to predict the effect of sequence changes on RNA splicing suggest that this variant may disrupt the consensus splice site. In summary, the currently available evidence indicates that the variant is pathogenic, but additional data are needed to prove that conclusively. Therefore, this variant has been classified as Likely Pathogenic.

Literature cited by the submitters: PubMed 16199547; PubMed 31568572; PubMed 34036930; PubMed 35838873.

NM_000363.5(TNNI3):c.12-1G>A

Gene: TNNI3 (troponin I3, cardiac type; minus strand). Cytogenetic location: 19q13.42.
Variant type: single nucleotide variant.
Coding change: c.12-1G>A on transcript NM_000363.5 (MANE Select); the canonical splice acceptor site of the intron before coding-DNA position 12, G replaced by A.
Molecular consequence: splice acceptor variant.
Genome position (GRCh38, 1-based): chr19:55,157,309, C>T on the plus strand (G>A on the coding strand, the complement: TNNI3 is on the minus strand). VCF-style: chr19-55157309-C-T. GRCh37 (hg19) VCF-style: chr19-55668677-C-T.
Identifiers: ClinVar variation 1037919 (VCV001037919.7), dbSNP rs397516340, ClinGen allele CA407443425.
Genomic context (GRCh38, chr19:55,157,309, plus strand): 5'-ACCCTGGCCCTGGGGGTCCCAGCCACGCCTTAGCCCGCTGCTCTCACCGCATCGCTGCTC[C>T]TGGAAGGAGAGAAACCAAGGAGGGGGGTTAGTGGTGGGCTGTGTCCTGTCTCCTAAGGGA-3'